The following is an entry in ClinVar:

NM_001378457.1(DMXL2):c.2527-11dup

Gene: DMXL2 (Dmx like 2; minus strand). Cytogenetic location: 15q21.2.
Variant type: Duplication.
Coding change: c.2527-11dup on transcript NM_001378457.1 (MANE Select); 11 bases into the intron before coding-DNA position 2527, one base duplicated (T; older notation c.2527-11dupT).
Molecular consequence: intron variant.
Genome position (GRCh38, 1-based): chr15:51,514,570, A duplicated on the plus strand (T on the coding strand, the reverse complement: DMXL2 is on the minus strand); the first of 9 consecutive A bases (chr15:51,514,570-51,514,578); duplicating any one gives the same sequence. VCF-style (leftmost placement, unchanged base first): chr15-51514569-C-CA. GRCh37 (hg19) VCF-style: chr15-51806766-C-CA.
Other names: p.?; c.2527-11dup (NM_001378460.1, NM_001174117.3, NM_015263.5 and 7 more transcripts); c.2287-11dup (NM_001378464.1).
Identifiers: ClinVar variation 1647436 (VCV001647436.9), dbSNP rs199971472, ClinGen allele CA7562329.
Genomic context (GRCh38, chr15:51,514,569, plus strand): 5'-TATAATGAAGTCTTCTTGAAACACATGAAGCAACTGTGTATTTGAGCCACACTACAAATA[C>CA]AAAAAAAAATGAAGAGGTTTTATCTTTGAAATTCCCTGTCTCCCATCTCCCATCTGTCAC-3'

ClinVar aggregate classification (germline): Benign. Review status: criteria provided, multiple submitters, no conflicts (2 of 4 stars). 2 submissions from 2 submitters: Benign (2). Last evaluated 2026-02-04.

Submissions (2):

Labcorp Genetics (formerly Invitae), Labcorp
Classification: Benign. Last evaluated: 2026-02-04. Review status: criteria provided, single submitter. Criteria: Invitae Variant Classification Sherloc (09022015). Collection method: clinical testing. Allele origin: germline.

Mayo Clinic Laboratories, Mayo Clinic
Classification: Benign. Last evaluated: 2024-11-26. Review status: criteria provided, single submitter. Criteria: ACMG Guidelines, 2015. Collection method: clinical testing. Allele origin: germline. Observed: 6 variant alleles.
Comment: BA1, BS2